The following is an entry in ClinVar:

ClinVar aggregate classification (germline): Conflicting classifications of pathogenicity. Review status: criteria provided, conflicting classifications (1 of 4 stars). 6 submissions from 6 submitters: Uncertain significance (4); Likely benign (1). 1 of the submissions does not count toward it. Last evaluated 2025-05-14.

Conditions:
Inborn genetic diseases. Identifiers: MedGen C0950123, MeSH D030342.
Nemaline myopathy 2 (NEM2). Also called: Nemaline myopathy 2, autosomal recessive. Identifiers: MedGen C1850569, MONDO:0009725, OMIM 256030.
Arthrogryposis multiplex congenita 6. Identifiers: MedGen C5543431, MONDO:0030281, OMIM 619334.

Allele frequency attached by ClinVar (database versions not stated): ExAC 0.00002; gnomAD 0.00003 and 0.00004; gnomAD exomes 0.00003 and 0.00005; TOPMed 0.00003.
gnomAD v4.1: 78 of 1,613,806 alleles (0.0048%); highest among the groups gnomAD compares: Non-Finnish European, 0.0056%; no homozygotes.

Submissions (6):

Ambry Genetics
Classification: Uncertain significance for Inborn genetic diseases. Last evaluated: 2025-05-14. Review status: criteria provided, single submitter. Criteria: Ambry Variant Classification Scheme 2023. Collection method: clinical testing. Allele origin: germline.

Labcorp Genetics (formerly Invitae), Labcorp
Classification: Likely benign for Nemaline myopathy 2. Last evaluated: 2025-04-28. Review status: criteria provided, single submitter. Criteria: Invitae Variant Classification Sherloc (09022015). Collection method: clinical testing. Allele origin: germline.

CeGaT Center for Human Genetics Tuebingen
Classification: Uncertain significance. Last evaluated: 2022-11-01. Review status: criteria provided, single submitter. Criteria: CeGaT Center For Human Genetics Tuebingen Variant Classification Criteria Version 2. Collection method: clinical testing. Allele origin: germline. Affected: yes. Observed: 1 variant allele.
Comment: NEB: PM2, BP4

Fulgent Genetics
Classification: Uncertain significance for Nemaline myopathy 2; Arthrogryposis multiplex congenita 6. Last evaluated: 2021-07-07. Review status: criteria provided, single submitter. Criteria: ACMG Guidelines, 2015. Collection method: clinical testing. Allele origin: unknown.

Illumina Laboratory Services, Illumina
Classification: Uncertain significance for Nemaline myopathy 2. Last evaluated: 2018-01-13. Review status: criteria provided, single submitter. Criteria: ICSL Variant Classification Criteria 13 December 2019. Collection method: clinical testing. Allele origin: germline.

Natera, Inc.
Classification: Uncertain significance for Nemaline myopathy type 2. Last evaluated: 2020-01-24. Review status: no assertion criteria provided. Collection method: clinical testing. Allele origin: germline. Not counted in ClinVar's aggregate classification.

NM_001164508.2(NEB):c.3571G>A (p.Val1191Ile)

Gene: NEB (nebulin; minus strand). Cytogenetic location: 2q23.3.
Variant type: single nucleotide variant.
Coding change: c.3571G>A on transcript NM_001164508.2 (MANE Select); coding-DNA position 3571, G replaced by A.
Protein change: p.Val1191Ile; replaces valine 1191 with isoleucine.
Molecular consequence: missense variant.
Genome position (GRCh38, 1-based): chr2:151,677,768, C>T on the plus strand (G>A on the coding strand, the complement: NEB is on the minus strand). VCF-style: chr2-151677768-C-T. GRCh37 (hg19) VCF-style: chr2-152534282-C-T.
Other names: c.3571G>A, p.Val1191Ile (NM_001164507.2, NM_001271208.2, NM_004543.5); short protein forms V1191I.
Identifiers: ClinVar variation 894539 (VCV000894539.39), dbSNP rs767493706, ClinGen allele CA1910867.